The following is an entry in ClinVar:

ClinVar aggregate classification (germline): Uncertain significance (1 of 4 stars; one submission).

Conditions:
Primary ciliary dyskinesia. Also called: Ciliary dyskinesia. Identifiers: Orphanet 244, MedGen C0008780, MONDO:0016575, HP:0012265.

Allele frequency attached by ClinVar (database versions not stated): gnomAD 0.00001; TOPMed 0.00001.
gnomAD v4.1: 7 of 1,614,052 alleles (0.00043%); highest among the groups gnomAD compares: Non-Finnish European, 0.00051%; no homozygotes.

Submission:

Labcorp Genetics (formerly Invitae), Labcorp
Classification: Uncertain significance for Primary ciliary dyskinesia. Last evaluated: 2022-02-10. Review status: criteria provided, single submitter. Criteria: Invitae Variant Classification Sherloc (09022015). Collection method: clinical testing. Allele origin: germline.
Comment: This sequence change replaces leucine, which is neutral and non-polar, with glutamine, which is neutral and polar, at codon 287 of the DNAH5 protein (p.Leu287Gln). This variant is present in population databases (no rsID available, gnomAD 0.007%). This variant has not been reported in the literature in individuals affected with DNAH5-related conditions. Algorithms developed to predict the effect of missense changes on protein structure and function are either unavailable or do not agree on the potential impact of this missense change (SIFT: "Deleterious"; PolyPhen-2: "Probably Damaging"; Align-GVGD: "Class C0"). In summary, the available evidence is currently insufficient to determine the role of this variant in disease. Therefore, it has been classified as a Variant of Uncertain Significance.

NM_001369.3(DNAH5):c.860T>A (p.Leu287Gln)

Gene: DNAH5 (dynein axonemal heavy chain 5; minus strand). Cytogenetic location: 5p15.2.
Variant type: single nucleotide variant.
Coding change: c.860T>A on transcript NM_001369.3 (MANE Select); coding-DNA position 860, T replaced by A.
Protein change: p.Leu287Gln; replaces leucine 287 with glutamine.
Molecular consequence: missense variant.
Genome position (GRCh38, 1-based): chr5:13,919,291, A>T on the plus strand (T>A on the coding strand, the complement: DNAH5 is on the minus strand). VCF-style: chr5-13919291-A-T. GRCh37 (hg19) VCF-style: chr5-13919400-A-T.
Other names: short protein forms L287Q.
Identifiers: ClinVar variation 1399447 (VCV001399447.3), dbSNP rs1177184350, ClinGen allele CA359219135.